The following is an entry in ClinVar:

NM_024665.7(TBL1XR1):c.356G>C (p.Ser119Thr)

Gene: TBL1XR1 (TBL1X/Y related 1; minus strand). Cytogenetic location: 3q26.32.
Variant type: single nucleotide variant.
Coding change: c.356G>C on transcript NM_024665.7 (MANE Select); coding-DNA position 356, G replaced by C.
Protein change: p.Ser119Thr; replaces serine 119 with threonine.
Molecular consequence: missense variant.
Genome position (GRCh38, 1-based): chr3:177,051,575, C>G on the plus strand (G>C on the coding strand, the complement: TBL1XR1 is on the minus strand). VCF-style: chr3-177051575-C-G. GRCh37 (hg19) VCF-style: chr3-176769363-C-G.
Other names: c.356G>C, p.Ser119Thr (NM_001321193.3, NM_001321194.3, NM_001374327.1 and 2 more transcripts); c.95G>C, p.Ser32Thr (NM_001321195.3, NM_001374330.1); short protein forms S119T, S32T.
Identifiers: ClinVar variation 1698509 (VCV001698509.6), dbSNP rs756214140, ClinGen allele CA2709996.

ClinVar aggregate classification (germline): Uncertain significance. Review status: criteria provided, multiple submitters, no conflicts (2 of 4 stars). 2 submissions from 2 submitters: Uncertain significance (2). Last evaluated 2022-11-29.

Conditions:
Pierpont syndrome (PRPTS). Identifiers: Orphanet 487825, MedGen C1865644, MONDO:0011213, OMIM 602342.

Allele frequency attached by ClinVar (database versions not stated): TOPMed 0.00001; gnomAD 0.00002.
gnomAD v4.1: 32 of 1,613,568 alleles (0.002%); highest among the groups gnomAD compares: Non-Finnish European, 0.0025%; no homozygotes.

Submissions (2):

Labcorp Genetics (formerly Invitae), Labcorp
Classification: Uncertain significance for Pierpont syndrome. Last evaluated: 2022-11-29. Review status: criteria provided, single submitter. Criteria: Invitae Variant Classification Sherloc (09022015). Collection method: clinical testing. Allele origin: germline.
Comment: In summary, the available evidence is currently insufficient to determine the role of this variant in disease. Therefore, it has been classified as a Variant of Uncertain Significance. Advanced modeling of protein sequence and biophysical properties (such as structural, functional, and spatial information, amino acid conservation, physicochemical variation, residue mobility, and thermodynamic stability) performed at Invitae indicates that this missense variant is not expected to disrupt TBL1XR1 protein function. ClinVar contains an entry for this variant (Variation ID: 1698509). This variant has not been reported in the literature in individuals affected with TBL1XR1-related conditions. The frequency data for this variant in the population databases is considered unreliable, as metrics indicate poor data quality at this position in the gnomAD database. This sequence change replaces serine, which is neutral and polar, with threonine, which is neutral and polar, at codon 119 of the TBL1XR1 protein (p.Ser119Thr).

Women's Health and Genetics/Laboratory Corporation of America, LabCorp
Classification: Uncertain significance. Last evaluated: 2022-06-07. Review status: criteria provided, single submitter. Criteria: LabCorp Variant Classification Summary - May 2015. Collection method: clinical testing. Allele origin: germline.
Comment: Variant summary: TBL1XR1 c.356G>C (p.Ser119Thr) results in a conservative amino acid change in the encoded protein sequence. Five of five in-silico tools predict a benign effect of the variant on protein function. The variant allele was found at a frequency of 8e-06 in 248566 control chromosomes. The available data on variant occurrences in the general population are insufficient to allow any conclusion about variant significance. To our knowledge, no occurrence of c.356G>C in individuals affected with Intellectual Disability, Autosomal Dominant 41 and no experimental evidence demonstrating its impact on protein function have been reported. No clinical diagnostic laboratories have submitted clinical-significance assessments for this variant to ClinVar after 2014. Based on the evidence outlined above, the variant was classified as uncertain significance.